The following is an entry in ClinVar:

NM_004656.4(BAP1):c.302T>G (p.Leu101Arg)

Gene: BAP1 (BRCA1 associated deubiquitinase 1; minus strand). Cytogenetic location: 3p21.1.
Variant type: single nucleotide variant.
Coding change: c.302T>G on transcript NM_004656.4 (MANE Select); coding-DNA position 302, T replaced by G.
Protein change: p.Leu101Arg; replaces leucine 101 with arginine.
Molecular consequence: missense variant.
Genome position (GRCh38, 1-based): chr3:52,408,031, A>C on the plus strand (T>G on the coding strand, the complement: BAP1 is on the minus strand). VCF-style: chr3-52408031-A-C. GRCh37 (hg19) VCF-style: chr3-52442047-A-C.
Other names: c.302T>G, p.Leu101Arg (NM_001410772.1); short protein forms L101R.
Identifiers: ClinVar variation 2858043 (VCV002858043.3), dbSNP rs2471354994, ClinGen allele CA353112352.

ClinVar aggregate classification (germline): Uncertain significance (1 of 4 stars; one submission).

Conditions:
BAP1-related tumor predisposition syndrome (TPDS1). Also called: Tumor susceptibility linked to germline BAP1 mutations; TUMOR PREDISPOSITION SYNDROME 1; BAP1 tumor predisposition syndrome; COMMON Syndrome. Identifiers: Orphanet 289539, MedGen C3280492, MONDO:0013692, OMIM 614327.

Submission:

Labcorp Genetics (formerly Invitae), Labcorp
Classification: Uncertain significance for BAP1-related tumor predisposition syndrome. Last evaluated: 2023-04-20. Review status: criteria provided, single submitter. Criteria: Invitae Variant Classification Sherloc (09022015). Collection method: clinical testing. Allele origin: germline.
Comment: In summary, the available evidence is currently insufficient to determine the role of this variant in disease. Therefore, it has been classified as a Variant of Uncertain Significance. This sequence change replaces leucine, which is neutral and non-polar, with arginine, which is basic and polar, at codon 101 of the BAP1 protein (p.Leu101Arg). This variant is not present in population databases (gnomAD no frequency). This variant has not been reported in the literature in individuals affected with BAP1-related conditions. Advanced modeling of protein sequence and biophysical properties (such as structural, functional, and spatial information, amino acid conservation, physicochemical variation, residue mobility, and thermodynamic stability) performed at Invitae indicates that this missense variant is expected to disrupt BAP1 protein function.